The following is an entry in ClinVar:

ClinVar aggregate classification (germline): Conflicting classifications of pathogenicity. Review status: criteria provided, conflicting classifications (1 of 4 stars). 6 submissions from 6 submitters: Uncertain significance (2); Likely benign (4). Last evaluated 2026-01-28.

Conditions:
LAMA2-related disorder. Also called: LAMA2-related condition; LAMA2-related disorders.
LAMA2-related muscular dystrophy (LAMA2-RD). Also called: Laminin alpha 2-related dystrophy. Identifiers: MedGen C5679788, MONDO:0100228.

Allele frequency attached by ClinVar (database versions not stated): ESP Exome Variant Server 0.00069; gnomAD 0.00070; 1000 Genomes Project 0.00100; 1000 Genomes Project 30x 0.00125; gnomAD exomes 0.00016; ExAC 0.00019; TOPMed 0.00061.
gnomAD v4.1: 214 of 1,612,728 alleles (0.013%); highest among the groups gnomAD compares: African/African-American, 0.24%; 1 homozygote.

Submissions (6):

Labcorp Genetics (formerly Invitae), Labcorp
Classification: Likely benign for LAMA2-related muscular dystrophy. Last evaluated: 2026-01-28. Review status: criteria provided, single submitter. Criteria: Invitae Variant Classification Sherloc (09022015). Collection method: clinical testing. Allele origin: germline.

Mayo Clinic Laboratories, Mayo Clinic
Classification: Likely benign. Last evaluated: 2025-04-08. Review status: criteria provided, single submitter. Criteria: ACMG Guidelines, 2015. Collection method: clinical testing. Allele origin: germline. Observed: 1 variant allele.
Comment: BP4, BP7

PreventionGenetics, part of Exact Sciences
Classification: Likely benign for LAMA2-related condition. Last evaluated: 2025-03-30. Review status: criteria provided, single submitter. Criteria: ACMG Guidelines, 2015. Collection method: clinical testing. Allele origin: germline.
Comment: This variant is classified as likely benign based on ACMG/AMP sequence variant interpretation guidelines (Richards et al. 2015 PMID: 25741868, with internal and published modifications).

Blueprint Genetics
Classification: Likely benign. Last evaluated: 2024-11-18. Review status: criteria provided, single submitter. Criteria: ACMG Guidelines, 2015. Collection method: clinical testing. Allele origin: germline.

GeneDx
Classification: Uncertain significance. Last evaluated: 2019-07-05. Review status: criteria provided, single submitter. Criteria: GeneDx Variant Classification Process June 2021. Collection method: clinical testing. Allele origin: germline. Affected: yes.
Comment: Has not been previously published as pathogenic or benign to our knowledge; In silico analysis, which includes splice predictors and evolutionary conservation, suggests this variant may impact gene splicing. In the absence of RNA/functional studies, the actual effect of this sequence change is unknown.

Eurofins Ntd Llc (ga)
Classification: Uncertain significance. Last evaluated: 2015-03-06. Review status: criteria provided, single submitter. Criteria: EGL Classification Definitions 2015. Collection method: clinical testing. Allele origin: germline. Observed: 1 variant allele, 1 heterozygote.

NM_000426.4(LAMA2):c.2382C>T (p.Gly794=)

Gene: LAMA2 (laminin subunit alpha 2; plus strand). Cytogenetic location: 6q22.33.
Variant type: single nucleotide variant.
Coding change: c.2382C>T on transcript NM_000426.4 (MANE Select); coding-DNA position 2382, C replaced by T.
Protein change: p.Gly794=; no amino-acid change (glycine 794 retained).
Molecular consequence: synonymous variant.
Genome position (GRCh38, 1-based): chr6:129,270,683, C>T. VCF-style: chr6-129270683-C-T. GRCh37 (hg19) VCF-style: chr6-129591828-C-T.
Other names: p.Gly794=; c.2382C>T, p.Gly794= (NM_001079823.2).
Identifiers: ClinVar variation 194707 (VCV000194707.21), dbSNP rs147744763, ClinGen allele CA240825.